The following is an entry in ClinVar:

NM_006059.4(LAMC3):c.4354C>G (p.Gln1452Glu)

Gene: LAMC3 (laminin subunit gamma 3; plus strand). Cytogenetic location: 9q34.12.
Variant type: single nucleotide variant.
Coding change: c.4354C>G on transcript NM_006059.4 (MANE Select); coding-DNA position 4354, C replaced by G.
Protein change: p.Gln1452Glu; replaces glutamine 1452 with glutamic acid.
Molecular consequence: missense variant.
Genome position (GRCh38, 1-based): chr9:131,087,599, C>G. VCF-style: chr9-131087599-C-G. GRCh37 (hg19) VCF-style: chr9-133962986-C-G.
Other names: short protein forms Q1452E.
Identifiers: ClinVar variation 1512270 (VCV001512270.8), dbSNP rs1588171883, ClinGen allele CA375265625.

ClinVar aggregate classification (germline): Uncertain significance (1 of 4 stars; one submission).

Submission:

Labcorp Genetics (formerly Invitae), Labcorp
Classification: Uncertain significance. Last evaluated: 2023-08-24. Review status: criteria provided, single submitter. Criteria: Invitae Variant Classification Sherloc (09022015). Collection method: clinical testing. Allele origin: germline.
Comment: This sequence change replaces glutamine, which is neutral and polar, with glutamic acid, which is acidic and polar, at codon 1452 of the LAMC3 protein (p.Gln1452Glu). This variant is not present in population databases (gnomAD no frequency). This variant has not been reported in the literature in individuals affected with LAMC3-related conditions. ClinVar contains an entry for this variant (Variation ID: 1512270). An algorithm developed to predict the effect of missense changes on protein structure and function (PolyPhen-2) suggests that this variant is likely to be tolerated. In summary, the available evidence is currently insufficient to determine the role of this variant in disease. Therefore, it has been classified as a Variant of Uncertain Significance.